The following is an entry in ClinVar:

NM_000264.5(PTCH1):c.4033C>G (p.Arg1345Gly)

Gene: PTCH1 (patched 1; minus strand). Cytogenetic location: 9q22.32.
Variant type: single nucleotide variant.
Coding change: c.4033C>G on transcript NM_000264.5 (MANE Select); coding-DNA position 4033, C replaced by G.
Protein change: p.Arg1345Gly; replaces arginine 1345 with glycine.
Molecular consequence: missense variant. On other transcripts: non-coding transcript variant (1).
Genome position (GRCh38, 1-based): chr9:95,447,223, G>C on the plus strand (C>G on the coding strand, the complement: PTCH1 is on the minus strand). VCF-style: chr9-95447223-G-C. GRCh37 (hg19) VCF-style: chr9-98209505-G-C.
Other names: c.3835C>G, p.Arg1279Gly (NM_001083602.3); c.4030C>G, p.Arg1344Gly (NM_001083603.3); c.3580C>G, p.Arg1194Gly (NM_001083604.3, NM_001083605.3, NM_001083606.3 and 1 more transcripts); c.3877C>G, p.Arg1293Gly (NM_001354918.2); short protein forms R1194G, R1279G, R1293G, R1344G, R1345G.
Identifiers: ClinVar variation 1010368 (VCV001010368.12), dbSNP rs556901417, ClinGen allele CA5137973.

ClinVar aggregate classification (germline): Conflicting classifications of pathogenicity. Review status: criteria provided, conflicting classifications (1 of 4 stars). 2 submissions from 2 submitters: Uncertain significance (1); Benign (1). Last evaluated 2025-07-04.

Conditions:
Hereditary cancer-predisposing syndrome. Also called: Tumor predisposition; Hereditary Cancer Syndrome; Neoplastic Syndromes, Hereditary; Hereditary neoplastic syndrome. Identifiers: Orphanet 140162, MedGen C0027672, MeSH D009386, MONDO:0015356.
Gorlin syndrome. Also called: Nevoid Basal Cell Carcinoma Syndrome; Basal cell nevus syndrome. Identifiers: Orphanet 377, MedGen C0004779, MONDO:0007187.

Allele frequency attached by ClinVar (database versions not stated): 1000 Genomes Project 0.00020.
gnomAD v4.1: 4 of 1,611,580 alleles (0.00025%); highest among the groups gnomAD compares: South Asian, 0.0044%; no homozygotes.

Submissions (2):

Labcorp Genetics (formerly Invitae), Labcorp
Classification: Benign for Gorlin syndrome. Last evaluated: 2025-07-04. Review status: criteria provided, single submitter. Criteria: Invitae Variant Classification Sherloc (09022015). Collection method: clinical testing. Allele origin: germline.

Ambry Genetics
Classification: Uncertain significance for Hereditary cancer-predisposing syndrome. Last evaluated: 2024-03-19. Review status: criteria provided, single submitter. Criteria: Ambry Variant Classification Scheme 2023. Collection method: clinical testing. Allele origin: germline.
Comment: The p.R1345G variant (also known as c.4033C>G), located in coding exon 23 of the PTCH1 gene, results from a C to G substitution at nucleotide position 4033. The arginine at codon 1345 is replaced by glycine, an amino acid with dissimilar properties. This amino acid position is well conserved in available vertebrate species. In addition, the in silico prediction for this alteration is inconclusive. Since supporting evidence is limited at this time, the clinical significance of this alteration remains unclear.